The following is an entry in ClinVar:

ClinVar aggregate classification (germline): Uncertain significance (1 of 4 stars; one submission).

Allele frequency attached by ClinVar (database versions not stated): ExAC 0.00001; gnomAD exomes below 0.00001; gnomAD 0.00001 and 0.00003.
gnomAD v4.1: 5 of 1,612,588 alleles (0.00031%); highest among the groups gnomAD compares: Non-Finnish European, 0.00042%; no homozygotes.

Submission:

GeneDx
Classification: Uncertain significance. Last evaluated: 2014-02-12. Review status: criteria provided, single submitter. Criteria: GeneDx Variant Classification (06012015). Collection method: clinical testing. Allele origin: germline. Affected: yes.
Comment: To our knowledge, the D103H missense substitution has neither been published as a mutation, nor reported as a benign polymorphism. This variant was not observed in approximately 6,400 individuals of European and African American ancestry in the NHLBI Exome Sequencing Project, indicating it is not a common benign variant in these populations. D103H represents a non-conservative amino acid substitution as a negatively-charged Aspartic Acid residue is replaced with a positively-charged Histidine residue. However, the position in the MEFV protein where this substitution occurs is not conserved among species. Therefore, based on the currently available information, it is unclear whether D103H is a disease-causing mutation or a rare benign variant.

NM_000243.3(MEFV):c.307G>C (p.Asp103His)

Gene: MEFV (MEFV innate immuity regulator, pyrin; minus strand). Cytogenetic location: 16p13.3.
Variant type: single nucleotide variant.
Coding change: c.307G>C on transcript NM_000243.3 (MANE Select); coding-DNA position 307, G replaced by C.
Protein change: p.Asp103His; replaces aspartic acid 103 with histidine.
Molecular consequence: missense variant. On other transcripts: intron variant (1).
Genome position (GRCh38, 1-based): chr16:3,254,761, C>G on the plus strand (G>C on the coding strand, the complement: MEFV is on the minus strand). VCF-style: chr16-3254761-C-G. GRCh37 (hg19) VCF-style: chr16-3304761-C-G.
Other names: c.277+1550G>C (NM_001198536.2); short protein forms D103H.
Identifiers: ClinVar variation 234349 (VCV000234349.2), dbSNP rs757543348, ClinGen allele CA7860460.